The following is an entry in ClinVar:

ClinVar aggregate classification (germline): Uncertain significance (1 of 4 stars; one submission).

Submission:

GeneDx
Classification: Uncertain significance. Last evaluated: 2025-07-31. Review status: criteria provided, single submitter. Criteria: GeneDx Variant Classification Process June 2021. Collection method: clinical testing. Allele origin: germline.
Comment: Not observed at significant frequency in large population cohorts (gnomAD); In silico analysis suggests that this missense variant does not alter protein structure/function; Has not been previously published as pathogenic or benign to our knowledge

NM_005629.4(SLC6A8):c.780C>G (p.Ile260Met)

Gene: SLC6A8 (solute carrier family 6 member 8; plus strand). Cytogenetic location: Xq28.
Variant type: single nucleotide variant.
Coding change: c.780C>G on transcript NM_005629.4 (MANE Select); coding-DNA position 780, C replaced by G.
Protein change: p.Ile260Met; replaces isoleucine 260 with methionine.
Molecular consequence: missense variant.
Genome position (GRCh38, 1-based): chrX:153,693,043, C>G. VCF-style: chrX-153693043-C-G. GRCh37 (hg19) VCF-style: chrX-152958498-C-G.
Other names: c.780C>G, p.Ile260Met (NM_001142805.2); c.435C>G, p.Ile145Met (NM_001142806.1); short protein forms I145M, I260M.
Identifiers: ClinVar variation 3361393 (VCV003361393.2).
Genomic context (GRCh38, chrX:153,693,043, plus strand): 5'-GAGTGGGGGTGTGAGGGAGGTGGTGCCACAGCCTCCGCTGAGCAGCCTGGCCCCCCAGAT[C>G]GTGTACTTCACTGCTACATTCCCCTACGTGGTCCTGGTCGTGCTGCTGGTGCGTGGAGTG-3'
Protein context (NP_005620.1, residues 250-270): VWKGVKSTGK[Ile260Met]VYFTATFPYV